The following is an entry in ClinVar:

ClinVar aggregate classification (germline): Conflicting classifications of pathogenicity. Review status: criteria provided, conflicting classifications (1 of 4 stars). 10 submissions from 10 submitters: Uncertain significance (1); Benign (2); Likely benign (4). 3 of the submissions do not count toward it. Last evaluated 2026-09-01.

Conditions:
Dehydrated hereditary stomatocytosis with or without pseudohyperkalemia and/or perinatal edema (DHS1). Also called: Dehydrated hereditary stomatocytosis 1 with or without pseudohyperkalemia and/or perinatal edema; PSEUDOHYPERKALEMIA EDINBURGH; DEHYDRATED HEREDITARY STOMATOCYTOSIS AND PSEUDOHYPERKALEMIA; DEHYDRATED HEREDITARY STOMATOCYTOSIS WITH PSEUDOHYPERKALEMIA AND PERINATAL EDEMA; Pseudohyperkalemia, familial, 1, due to red cell leak. Identifiers: Orphanet 3202, MedGen C4551512, MONDO:0008689, OMIM 194380.
Lymphatic malformation 6 (LMPHM6). Also called: PIEZO1-related generalized lymphatic dysplasia with non-immune hydrops fetalis; GENERALIZED LYMPHATIC DYSPLASIA OF FOTIOU; Lymphedema, hereditary, III. Identifiers: Orphanet 568062, MedGen C4225184, MONDO:0014797, OMIM 616843.

Allele frequency attached by ClinVar (database versions not stated): ESP Exome Variant Server 0.00680; gnomAD 0.00749 and 0.00825; TOPMed 0.00827; 1000 Genomes Project 0.00919; 1000 Genomes Project 30x 0.00953; gnomAD exomes 0.01105 and 0.01124; ExAC 0.02275.
gnomAD v4.1: 17,005 of 1,547,352 alleles (1.1%); highest among the groups gnomAD compares: South Asian, 3.1%; 164 homozygotes.

Submissions (10):

CeGaT Center for Human Genetics Tuebingen
Classification: Benign. Last evaluated: 2026-09-01. Review status: criteria provided, single submitter. Criteria: CeGaT Center For Human Genetics Tuebingen Variant Classification Criteria Version 2. Collection method: clinical testing. Allele origin: germline. Affected: yes. Observed: 43 variant alleles.
Comment: PIEZO1: BS1, BS2

Labcorp Genetics (formerly Invitae), Labcorp
Classification: Benign. Last evaluated: 2026-01-29. Review status: criteria provided, single submitter. Criteria: Invitae Variant Classification Sherloc (09022015). Collection method: clinical testing. Allele origin: germline.

Mayo Clinic Laboratories, Mayo Clinic
Classification: Uncertain significance. Last evaluated: 2025-08-28. Review status: criteria provided, single submitter. Criteria: ACMG Guidelines, 2015. Collection method: clinical testing. Allele origin: germline. Observed: 42 variant alleles.
Comment: BS1, BP4

ARUP Laboratories, Molecular Genetics and Genomics, ARUP Laboratories
Classification: Likely benign. Last evaluated: 2025-06-10. Review status: criteria provided, single submitter. Criteria: ARUP Molecular Germline Variant Investigation Process 2024. Collection method: clinical testing. Allele origin: germline.

Fulgent Genetics
Classification: Likely benign for Dehydrated hereditary stomatocytosis with or without pseudohyperkalemia and/or perinatal edema; Lymphatic malformation 6. Last evaluated: 2021-10-18. Review status: criteria provided, single submitter. Criteria: ACMG Guidelines, 2015. Collection method: clinical testing. Allele origin: unknown.

GeneDx
Classification: Likely benign. Last evaluated: 2018-07-05. Review status: criteria provided, single submitter. Criteria: GeneDx Variant Classification Process June 2021. Collection method: clinical testing. Allele origin: germline. Affected: yes.
Comment: This variant is associated with the following publications: (PMID: 31670187)

Breakthrough Genomics
Classification: Likely benign. Review status: criteria provided, single submitter. Criteria: ACMG Guidelines, 2015. Collection method: not provided. Allele origin: germline. Inheritance: Autosomal recessive inheritance. Affected: yes.

Clinical Genetics, Academic Medical Center
Classification: Benign. Review status: no assertion criteria provided. Collection method: clinical testing. Allele origin: germline. Affected: yes. Study: VKGL Data-share Consensus. Not counted in ClinVar's aggregate classification.

Genome Diagnostics Laboratory, University Medical Center Utrecht
Classification: Benign. Review status: no assertion criteria provided. Collection method: clinical testing. Allele origin: germline. Affected: yes. Study: VKGL Data-share Consensus. Not counted in ClinVar's aggregate classification.

Laboratory of Diagnostic Genome Analysis, Leiden University Medical Center (LUMC)
Classification: Likely benign. Review status: no assertion criteria provided. Collection method: clinical testing. Allele origin: germline. Affected: yes. Study: VKGL Data-share Consensus. Not counted in ClinVar's aggregate classification.

Literature cited by the submitters: PubMed 31670187 (cited by Mayo Clinic Laboratories, Mayo Clinic); PubMed 34201899 (cited by Mayo Clinic Laboratories, Mayo Clinic); PubMed 36595486 (cited by Mayo Clinic Laboratories, Mayo Clinic).

NM_001142864.4(PIEZO1):c.5195C>T (p.Thr1732Met)

Gene: PIEZO1 (piezo type mechanosensitive ion channel component 1 (Er blood group); minus strand). Cytogenetic location: 16q24.3.
Variant type: single nucleotide variant.
Coding change: c.5195C>T on transcript NM_001142864.4 (MANE Select); coding-DNA position 5195, C replaced by T.
Protein change: p.Thr1732Met; replaces threonine 1732 with methionine.
Molecular consequence: missense variant.
Genome position (GRCh38, 1-based): chr16:88,721,827, G>A on the plus strand (C>T on the coding strand, the complement: PIEZO1 is on the minus strand). VCF-style: chr16-88721827-G-A. GRCh37 (hg19) VCF-style: chr16-88788235-G-A.
Other names: p.Thr1732Met; short protein forms T1732M.
Identifiers: ClinVar variation 1190824 (VCV001190824.50), dbSNP rs139051768, ClinGen allele CA8231943.
Genomic context (GRCh38, chr16:88,721,827, plus strand): 5'-GCGGTGGGCCGGGCGCCCCCTCCCCCGCGGCCTCGGCCCACCTCGGTGAAGACGATGGCC[G>A]TCATCCAGAAGCGCTTGCTGGGCCTCGGGATCGACAGCATGGCCCACAGGAAGACGAGCA-3'
Protein context (NP_001136336.2, residues 1722-1742): IPRPSKRFWM[Thr1732Met]AIVFTEIAVV